The following is an entry in ClinVar:

ClinVar aggregate classification (germline): Conflicting classifications of pathogenicity. Review status: criteria provided, conflicting classifications (1 of 4 stars). 11 submissions from 11 submitters: Uncertain significance (6); Benign (2); Likely benign (2). 1 of the submissions does not count toward it. Last evaluated 2026-04-06.

Conditions:
Hereditary cancer-predisposing syndrome. Also called: Tumor predisposition; Neoplastic Syndromes, Hereditary; Hereditary Cancer Syndrome; Hereditary neoplastic syndrome. Identifiers: Orphanet 140162, MedGen C0027672, MeSH D009386, MONDO:0015356.
Ovarian cancer. Also called: OVARIAN CANCER, SOMATIC. Identifiers: Orphanet 213500, MedGen C1140680, MONDO:0008170, OMIM 167000.
Peutz-Jeghers syndrome (PJS). Also called: POLYPOSIS, HAMARTOMATOUS INTESTINAL; POLYPS-AND-SPOTS SYNDROME; Peutz-Jeghers polyposis; Periorificial lentiginosis syndrome. Identifiers: Orphanet 2869, MedGen C0031269, MeSH D010580, MONDO:0008280, OMIM 175200.

Allele frequency attached by ClinVar (database versions not stated): ExAC 0.00002; gnomAD exomes 0.00002; TOPMed 0.00002; ESP Exome Variant Server 0.00008.
gnomAD v4.1: 13 of 1,610,392 alleles (0.00081%); highest among the groups gnomAD compares: East Asian, 0.0045%; no homozygotes.

Submissions (11):

Women's Health and Genetics/Laboratory Corporation of America, LabCorp
Classification: Likely benign. Last evaluated: 2026-04-06. Review status: criteria provided, single submitter. Criteria: LabCorp Variant Classification Summary - May 2015. Collection method: clinical testing. Allele origin: germline.
Comment: Variant summary: STK11 c.1168G>A (p.Val390Met) results in a conservative amino acid change in the encoded protein sequence. Algorithms developed to predict the effect of missense changes on protein structure and function are either unavailable or do not agree on the potential impact of this missense change. The variant allele was found at a frequency of 8.1e-06 in 1610392 control chromosomes. The observed variant frequency exceeds the estimated maximal expected allele frequency for disease-causing variants in STK11. c.1168G>A has been observed in individual(s) affected with colorectal cancer. These report(s) do not provide unequivocal conclusions about association of the variant with Peutz-Jeghers Syndrome. To our knowledge, no experimental evidence demonstrating an impact on protein function has been reported. The following publication have been ascertained in the context of this evaluation (PMID: 27978560). ClinVar contains an entry for this variant (Variation ID: 142283). Based on the evidence outlined above, the variant was classified as likely benign.

Labcorp Genetics (formerly Invitae), Labcorp
Classification: Benign for Peutz-Jeghers syndrome. Last evaluated: 2026-01-25. Review status: criteria provided, single submitter. Criteria: Invitae Variant Classification Sherloc (09022015). Collection method: clinical testing. Allele origin: germline.

Center for Genomic Medicine, Rigshospitalet, Copenhagen University Hospital
Classification: Uncertain significance. Last evaluated: 2025-03-04. Review status: criteria provided, single submitter. Criteria: ACMG Guidelines, 2015. Collection method: clinical testing. Allele origin: germline.

GeneDx
Classification: Uncertain significance. Last evaluated: 2024-04-05. Review status: criteria provided, single submitter. Criteria: GeneDx Variant Classification Process June 2021. Collection method: clinical testing. Allele origin: germline. Affected: yes.
Comment: Not observed at significant frequency in large population cohorts (gnomAD); In silico analysis indicates that this missense variant does not alter protein structure/function; This variant is associated with the following publications: (PMID: 24468202, 28900777, 27978560, 37323311)

All of Us Research Program, National Institutes of Health
Classification: Uncertain significance for Peutz-Jeghers syndrome. Last evaluated: 2024-03-05. Review status: criteria provided, single submitter. Criteria: ACMG Guidelines, 2015. Collection method: clinical testing. Allele origin: germline. Inheritance: Autosomal dominant inheritance. Observed: 3 variant alleles, 3 heterozygotes.
Comment: This missense variant replaces valine with methionine at codon 390 of the STK11 protein. Computational prediction tool suggests that this variant may not impact protein structure and function (internally defined REVEL score threshold <=0.5, PMID: 27666373). Splice site prediction tools suggest that this variant may not impact RNA splicing. To our knowledge, functional studies have not been performed for this variant. This variant has not been reported in individuals affected with hereditary cancer in the literature. This variant has been identified in 5/239586 chromosomes in the general population by the Genome Aggregation Database (gnomAD). The available evidence is insufficient to determine the role of this variant in disease conclusively. Therefore, this variant is classified as a Variant of Uncertain Significance.

This study involves interpretation of variants in research participants for the purpose of population health screening. Participant phenotype was not available at the time of variant classification. Additional details can be found in publication PMID: 35346344, PMCID: PMC8962531

Color Diagnostics, LLC DBA Color Health
Classification: Uncertain significance for Hereditary cancer-predisposing syndrome. Last evaluated: 2023-08-03. Review status: criteria provided, single submitter. Criteria: ACMG Guidelines, 2015. Collection method: clinical testing. Allele origin: germline.
Comment: This missense variant replaces valine with methionine at codon 390 of the STK11 protein. Computational prediction suggests that this variant may not impact protein structure and function (internally defined REVEL score threshold <= 0.5, PMID: 27666373). To our knowledge, functional studies have not been reported for this variant. This variant has been reported in individuals affected with colorectal cancer (PMID: 27978560, 37323311). This variant has been identified in 5/239586 chromosomes in the general population by the Genome Aggregation Database (gnomAD). The available evidence is insufficient to determine the role of this variant in disease conclusively. Therefore, this variant is classified as a Variant of Uncertain Significance.

Myriad Genetics, Inc.
Classification: Uncertain significance for Peutz-Jeghers syndrome. Last evaluated: 2023-04-14. Review status: criteria provided, single submitter. Criteria: Myriad Autosomal Dominant, Autosomal Recessive and X-Linked Classification Criteria (2023). Collection method: clinical testing. Allele origin: unknown.
Comment: This variant is classified as a variant of uncertain significance as there is insufficient evidence to determine its impact on protein function and/or cancer risk.

Ambry Genetics
Classification: Likely benign for Hereditary cancer-predisposing syndrome. Last evaluated: 2023-02-15. Review status: criteria provided, single submitter. Criteria: Ambry Variant Classification Scheme 2023. Collection method: clinical testing. Allele origin: germline.

Laboratory of Molecular Epidemiology of Birth Defects, West China Second University Hospital, Sichuan University
Classification: Benign for Ovarian cancer. Last evaluated: 2022-01-01. Review status: criteria provided, single submitter. Criteria: ACMG Guidelines, 2015. Collection method: clinical testing. Allele origin: germline. Affected: yes.

Genome-Nilou Lab
Classification: Uncertain significance for Peutz-Jeghers syndrome. Last evaluated: 2021-07-15. Review status: criteria provided, single submitter. Criteria: ACMG Guidelines, 2015. Collection method: clinical testing. Allele origin: germline. Affected: no.

Counsyl
Classification: Uncertain significance for Peutz-Jeghers syndrome. Last evaluated: 2018-05-04. Review status: no assertion criteria provided. Collection method: clinical testing. Allele origin: unknown. Not counted in ClinVar's aggregate classification.

Literature cited by the submitters: PubMed 27978560 (cited by 4 submitters); PubMed 37323311 (cited by Color Diagnostics, LLC DBA Color Health).

NM_000455.5(STK11):c.1168G>A (p.Val390Met)

Gene: STK11 (serine/threonine kinase 11; plus strand). Cytogenetic location: 19p13.3.
Variant type: single nucleotide variant.
Coding change: c.1168G>A on transcript NM_000455.5 (MANE Select); coding-DNA position 1168, G replaced by A.
Protein change: p.Val390Met; replaces valine 390 with methionine.
Molecular consequence: missense variant.
Genome position (GRCh38, 1-based): chr19:1,226,513, G>A. VCF-style: chr19-1226513-G-A. GRCh37 (hg19) VCF-style: chr19-1226512-G-A.
Other names: short protein forms V390M.
Identifiers: ClinVar variation 142283 (VCV000142283.37), dbSNP rs374078532, ClinGen allele CA022393.